The following is an entry in ClinVar:

ClinVar aggregate classification (germline): Uncertain significance. Review status: criteria provided, multiple submitters, no conflicts (2 of 4 stars). 2 submissions from 2 submitters: Uncertain significance (2). Last evaluated 2025-12-18.

Allele frequency attached by ClinVar (database versions not stated): gnomAD exomes below 0.00001; TOPMed below 0.00001; gnomAD 0.00001.
gnomAD v4.1: 8 of 1,612,768 alleles (0.0005%); highest among the groups gnomAD compares: Admixed American, 0.0033%; no homozygotes.

Submissions (2):

Labcorp Genetics (formerly Invitae), Labcorp
Classification: Uncertain significance. Last evaluated: 2025-12-18. Review status: criteria provided, single submitter. Criteria: Invitae Variant Classification Sherloc (09022015). Collection method: clinical testing. Allele origin: germline.
Comment: This sequence change replaces arginine, which is basic and polar, with glutamine, which is neutral and polar, at codon 4300 of the HSPG2 protein (p.Arg4300Gln). This variant also falls at the last nucleotide of exon 95, which is part of the consensus splice site for this exon. This variant is present in population databases (no rsID available, gnomAD 0.006%). This missense change has been observed in individual(s) with Schwartz-Jampel syndrome (internal data). In at least one individual the data is consistent with being in trans (on the opposite chromosome) from a pathogenic variant. ClinVar contains an entry for this variant (Variation ID: 1899175). An algorithm developed to predict the effect of missense changes on protein structure and function (PolyPhen-2) suggests that this variant is likely to be disruptive. Variants that disrupt the consensus splice site are a relatively common cause of aberrant splicing (PMID: 17576681, 9536098). Algorithms developed to predict the effect of sequence changes on RNA splicing suggest that this variant may disrupt the consensus splice site. In summary, the available evidence is currently insufficient to determine the role of this variant in disease. Therefore, it has been classified as a Variant of Uncertain Significance.

GeneDx
Classification: Uncertain significance. Last evaluated: 2024-08-26. Review status: criteria provided, single submitter. Criteria: GeneDx Variant Classification Process June 2021. Collection method: clinical testing. Allele origin: germline. Affected: yes.
Comment: Has not been previously reported in peer-reviewed literature as pathogenic or benign to our knowledge. However, in a poster by Basehore et al. (2013), the variant was observed with a second HSPG2 variant in a patient from a cohort with skeletal dysplasias, but it is not known whether the variants occurred on the same (in cis) or on different (in trans) chromosomes; In silico analysis supports that this missense variant has a deleterious effect on protein structure/function; In silico analysis is inconclusive as to whether the variant alters gene splicing. In the absence of RNA/functional studies, the actual effect of this sequence change is unknown.; This variant is associated with the following publications: (PMID: Basehore2013[poster])

Literature cited by the submitters: PubMed 17576681 (cited by Labcorp Genetics (formerly Invitae), Labcorp); PubMed 9536098 (cited by Labcorp Genetics (formerly Invitae), Labcorp).

NM_005529.7(HSPG2):c.12899G>A (p.Arg4300Gln)

Genes: HSPG2 (heparan sulfate proteoglycan 2; minus strand), LDLRAD2 (low density lipoprotein receptor class A domain containing 2; plus strand). Cytogenetic location: 1p36.12.
Variant type: single nucleotide variant.
Coding change: c.12899G>A on transcript NM_005529.7 (MANE Select); coding-DNA position 12899, G replaced by A.
Protein change: p.Arg4300Gln; replaces arginine 4300 with glutamine.
Molecular consequence: missense variant. On other transcripts: 3 prime UTR variant (1).
Genome position (GRCh38, 1-based): chr1:21,824,121, C>T on the plus strand (G>A on the coding strand, the complement: HSPG2 is on the minus strand). VCF-style: chr1-21824121-C-T. GRCh37 (hg19) VCF-style: chr1-22150614-C-T.
Other names: c.12902G>A, p.Arg4301Gln (NM_001291860.2); c.*1906C>T (NM_001013693.3); short protein forms R4301Q, R4300Q.
Identifiers: ClinVar variation 1899175 (VCV001899175.6), dbSNP rs933132139, ClinGen allele CA19086308.
Genomic context (GRCh38, chr1:21,824,121, plus strand): 5'-GCGTCCTGCCCCACTCCAGAACGCTGGGCCCCATCCCGAGTGCCCGGCAGGGTCCCTTAC[C>T]GCAGTGCTGTCACCCGGTGCCACTCGCCGTCATTGATGGGGTCCTCAGAGACCAGGCGGG-3'
Protein context (NP_005520.4, residues 4290-4310): DGEWHRVTAL[Arg4300Gln]EGRRGSIQVD